The following is an entry in ClinVar:

NM_001458.5(FLNC):c.5199+1G>T

Gene: FLNC (filamin C; plus strand). Cytogenetic location: 7q32.1.
Variant type: single nucleotide variant.
Coding change: c.5199+1G>T on transcript NM_001458.5 (MANE Select); the canonical splice donor site of the intron after coding-DNA position 5199, G replaced by T.
Molecular consequence: splice donor variant.
Genome position (GRCh38, 1-based): chr7:128,849,579, G>T. VCF-style: chr7-128849579-G-T. GRCh37 (hg19) VCF-style: chr7-128489633-G-T.
Other names: c.5199+1G>T (NM_001127487.2, NM_001458.4).
Identifiers: ClinVar variation 1067540 (VCV001067540.16), dbSNP rs1465588989, ClinGen allele CA369204432.

ClinVar aggregate classification (germline): Pathogenic/Likely pathogenic. Review status: criteria provided, multiple submitters, no conflicts (2 of 4 stars). 6 submissions from 6 submitters: Pathogenic (4); Likely pathogenic (2). Last evaluated 2026-01-19.

Conditions:
Distal myopathy with posterior leg and anterior hand involvement. Also called: WILLIAMS DISTAL MYOPATHY. Identifiers: Orphanet 63273, MedGen C3279722, MONDO:0013550, OMIM 614065.
Myofibrillar myopathy 5. Also called: Filaminopathy (type); FILAMINOPATHY, AUTOSOMAL DOMINANT. Identifiers: Orphanet 171445, MedGen C1836050, MONDO:0012289, OMIM 609524.
Hypertrophic cardiomyopathy 26. Also called: Cardiomyopathy, familial hypertrophic, 26. Identifiers: Orphanet 75249, MedGen C4310749, MONDO:0014883, OMIM 617047.
Cardiovascular phenotype. Identifiers: MedGen CN230736.

Allele frequency attached by ClinVar (database versions not stated): gnomAD 0.00001.

Submissions (6):

Labcorp Genetics (formerly Invitae), Labcorp
Classification: Pathogenic for Distal myopathy with posterior leg and anterior hand involvement; Myofibrillar myopathy 5; Hypertrophic cardiomyopathy 26. Last evaluated: 2026-01-19. Review status: criteria provided, single submitter. Criteria: Invitae Variant Classification Sherloc (09022015). Collection method: clinical testing. Allele origin: germline.
Comment: This sequence change affects a donor splice site in intron 30 of the FLNC gene. It is expected to disrupt RNA splicing. Variants that disrupt the donor or acceptor splice site typically lead to a loss of protein function (PMID: 16199547), and loss-of-function variants in FLNC are known to be pathogenic (PMID: 27908349). This variant is present in population databases (no rsID available, gnomAD 0.0009%). Disruption of this splice site has been observed in individuals with autosomal dominant dilated cardiomyopathy (PMID: 30975432, 39209822; internal data). ClinVar contains an entry for this variant (Variation ID: 1067540). Algorithms developed to predict the effect of sequence changes on RNA splicing suggest that this variant may disrupt the consensus splice site. For these reasons, this variant has been classified as Pathogenic.

Center for Molecular Medicine, Children’s Hospital of Fudan University
Classification: Pathogenic for Hypertrophic cardiomyopathy 26. Last evaluated: 2025-12-12. Review status: criteria provided, single submitter. Criteria: ACMG Guidelines 2015. Collection method: clinical testing. Allele origin: paternal. Affected: yes.
Comment: PVS1+PM2_Supp+PS4_Supp

Ambry Genetics
Classification: Likely pathogenic for Cardiovascular phenotype. Last evaluated: 2025-07-14. Review status: criteria provided, single submitter. Criteria: Ambry Variant Classification Scheme 2023. Collection method: clinical testing. Allele origin: germline.
Comment: The c.5199+1G>T intronic variant results from a G to T substitution one nucleotide after coding exon 30 of the FLNC gene. This variant was reported in individual(s) with features consistent with dilated cardiomyopathy (DCM) (Asatryan B et al. Am J Cardiol, 2019 Jun;123:2031-2038; Smith E et al. J Am Heart Assoc, 2022 May;11:e024501; Ambry internal data). This variant is considered to be rare based on population cohorts in the Genome Aggregation Database (gnomAD). This nucleotide position is highly conserved in available vertebrate species. In silico splice site analysis predicts that this alteration will weaken the native splice donor site and may result in the creation or strengthening of a novel splice donor site. Alterations that disrupt the canonical splice site are expected to cause aberrant splicing, resulting in an abnormal protein or a transcript that is subject to nonsense-mediated mRNA decay. Based on the supporting evidence, this variant is expected to be causative of FLNC-related dilated cardiomyopathy; however, its clinical significance for FLNC-related hypertrophic/restrictive cardiomyopathy and/or skeletal myopathy is unclear.

Molecular Diagnostic Laboratory for Inherited Cardiovascular Disease, Montreal Heart Institute
Classification: Pathogenic for Cardiovascular phenotype. Last evaluated: 2025-01-13. Review status: criteria provided, single submitter. Criteria: ACMG Guidelines, 2015. Collection method: clinical testing. Allele origin: germline. Affected: yes.
Comment: PVS1, PM2, PS4_supp, PP1

Revvity Omics, Revvity
Classification: Pathogenic. Last evaluated: 2024-04-02. Review status: criteria provided, single submitter. Criteria: ACMG Guidelines, 2015. Collection method: clinical testing. Allele origin: germline.

New York Genome Center
Classification: Likely pathogenic for Hypertrophic cardiomyopathy 26. Last evaluated: 2023-11-22. Review status: criteria provided, single submitter. Criteria: NYGC Assertion Criteria 2020. Collection method: clinical testing. Allele origin: inherited. Observed: 1 variant allele, 1 heterozygote.
Comment: The inherited c.5199+1G>T variant identified in the FLNC gene has previously been reported in multiple individuals with dilated cardiomyopathy [PMID:35470680, 30975432]. The c.5199+1G>T variant has been deposited in ClinVar [Variation ID: 1067540] as Likely Pathogenic by 2 submitters. The c.5199+1G>T variant is observed in 1 allele (~0.000001 minor allele frequency with 0 homozygotes) in population databases (gnomAD v4), suggesting it is not a common benign variant in the populations represented in those databases. The c.5199+1G>T variant is located in the canonical splice donor site in intron 30 this 48-exon gene and is presumed to affect mRNA splicing (SpliceAI = 0.996). Other canonical splice site (c.5199+1G>C, c.5199+1G>A) variants affecting the same nucleotide have been reported Likely Pathogenic in Clinvar (Clinvar ID: 861680, Clinvar ID: 2446044). Based on available evidence, this heterozygous inherited c.5199+1G>T variant identified in FLNC is classified as Likely Pathogenic.

Literature cited by the submitters: PubMed 16199547 (cited by Labcorp Genetics (formerly Invitae), Labcorp); PubMed 27908349 (cited by Labcorp Genetics (formerly Invitae), Labcorp); PubMed 30975432 (cited by 3 submitters); PubMed 39209822 (cited by Labcorp Genetics (formerly Invitae), Labcorp); PubMed 35470680 (cited by Ambry Genetics and New York Genome Center).